The following is an entry in ClinVar:

NM_007294.4(BRCA1):c.5297T>G (p.Ile1766Ser)

Gene: BRCA1 (BRCA1 DNA repair associated; minus strand). Cytogenetic location: 17q21.31.
Variant type: single nucleotide variant.
Coding change: c.5297T>G on transcript NM_007294.4 (MANE Select); coding-DNA position 5297, T replaced by G.
Protein change: p.Ile1766Ser; replaces isoleucine 1766 with serine.
Molecular consequence: missense variant. On other transcripts: non-coding transcript variant (1).
Genome position (GRCh38, 1-based): chr17:43,051,098, A>C on the plus strand (T>G on the coding strand, the complement: BRCA1 is on the minus strand). VCF-style: chr17-43051098-A-C. GRCh37 (hg19) VCF-style: chr17-41203115-A-C.
Other names: 5416T>G; c.5297T>G, p.Ile1766Ser (NM_001407603.1, NM_001407605.1, NM_001407854.1 and 6 more transcripts); c.5294T>G, p.Ile1765Ser (NM_001407610.1, NM_001407611.1, NM_001407612.1 and 17 more transcripts); c.5291T>G, p.Ile1764Ser (NM_001407627.1, NM_001407628.1, NM_001407629.1 and 14 more transcripts); c.5288T>G, p.Ile1763Ser (NM_001407644.1, NM_001407645.1); c.5285T>G, p.Ile1762Ser (NM_001407646.1); c.5282T>G, p.Ile1761Ser (NM_001407647.1); c.5240T>G, p.Ile1747Ser (NM_001407648.1); and 73 more; short protein forms I1766S, I1719S, I662S, I1787S, I1637S, I1638S, I1678S, I1697S.
Identifiers: ClinVar variation 37656 (VCV000037656.30), dbSNP rs80357463, ClinGen allele CA003452.

ClinVar aggregate classification (germline): Pathogenic. Review status: reviewed by expert panel (3 of 4 stars). 12 submissions from 12 submitters: Pathogenic (1). 11 of the submissions do not count toward it. Last evaluated 2015-08-10.

Conditions:
Hereditary cancer-predisposing syndrome. Also called: Tumor predisposition; Neoplastic Syndromes, Hereditary; Hereditary Cancer Syndrome; Hereditary neoplastic syndrome. Identifiers: Orphanet 140162, MedGen C0027672, MeSH D009386, MONDO:0015356.
Hereditary breast ovarian cancer syndrome. Also called: Hereditary breast and ovarian cancer syndrome (HBOC); Hereditary breast and ovarian cancer syndrome; Hereditary breast and ovarian cancer; Hereditary breast and/or ovarian cancer syndrome; Breast and ovarian cancer; BRCA1- and BRCA2-Associated Hereditary Breast and Ovarian Cancer. Identifiers: Orphanet 145, MedGen C0677776, MeSH D061325, MONDO:0003582. Disease mechanism: loss of function.
Breast-ovarian cancer, familial, susceptibility to, 1 (BROVCA1). Also called: OVARIAN CANCER, SUSCEPTIBILITY TO; BRCA1 Hereditary Breast and Ovarian Cancer. Identifiers: Orphanet 145, MedGen C2676676, MONDO:0011450, OMIM 604370. Disease mechanism: loss of function.

Submissions 1 to 8 of 13:

Evidence-based Network for the Interpretation of Germline Mutant Alleles (ENIGMA)
Classification: Pathogenic for Breast-ovarian cancer, familial 1. Last evaluated: 2015-08-10. Review status: reviewed by expert panel. Criteria: ENIGMA BRCA1/2 Classification Criteria (2015). Collection method: curation. Allele origin: germline.
Comment: IARC class based on posterior probability from multifactorial likelihood analysis, thresholds for class as per Plon et al. 2008 (PMID: 18951446). Class 5 based on posterior probability = 1

Quest Diagnostics Nichols Institute San Juan Capistrano
Classification: Pathogenic. Last evaluated: 2025-04-15. Review status: criteria provided, single submitter. Criteria: Quest Diagnostics criteria. Collection method: clinical testing. Allele origin: unknown. Not counted in ClinVar's aggregate classification.
Comment: The BRCA1 c.5297T>G (p.Ile1766Ser) variant has been reported in the published literature in individuals with breast and/or ovarian cancer (PMID: 17924331 (2007), 18680205 (2009), 34072659 (2021), 20737206 (2011), 37719058 (2023)). Additionally, several functional studies have demonstrated that this variant has a damaging effect on protein function (PMID: 14534301 (2003), 16528612 (2006), 17305420 (2007), 17308087 (2007), 18680205 (2009), 19493677 (2009), 20516115 (2010), 27272900 (2016), 28781887 (2016), 30765603 (2019), 30209399 (2018), 32546644 (2020)). This variant has not been reported in large, multi-ethnic general populations (Genome Aggregation Database). Analysis of this variant using bioinformatics tools for the prediction of the effect of amino acid changes on protein structure and function yielded predictions that this variant is damaging. Based on the available information, this variant is classified as pathogenic.

Labcorp Genetics (formerly Invitae), Labcorp
Classification: Likely pathogenic for Hereditary breast ovarian cancer syndrome. Last evaluated: 2024-05-21. Review status: criteria provided, single submitter. Criteria: Invitae Variant Classification Sherloc (09022015). Collection method: clinical testing. Allele origin: germline. Not counted in ClinVar's aggregate classification.
Comment: This sequence change replaces isoleucine, which is neutral and non-polar, with serine, which is neutral and polar, at codon 1766 of the BRCA1 protein (p.Ile1766Ser). This variant is not present in population databases (gnomAD no frequency). This missense change has been observed in individual(s) with breast and/or ovarian cancer (PMID: 17308087, 20737206). ClinVar contains an entry for this variant (Variation ID: 37656). Advanced modeling performed at Invitae incorporating data from internal and/or published experimental studies (PMID: 30209399) indicates that this missense variant is expected to disrupt BRCA1 function with a positive predictive value of 95%. Experimental studies have shown that this missense change affects BRCA1 function (PMID: 14534301, 16528612, 17305420, 17308087, 18680205, 19493677, 20516115, 30765603). In summary, the currently available evidence indicates that the variant is pathogenic, but additional data are needed to prove that conclusively. Therefore, this variant has been classified as Likely Pathogenic.

Ambry Genetics
Classification: Pathogenic for Hereditary cancer-predisposing syndrome. Last evaluated: 2024-04-23. Review status: criteria provided, single submitter. Criteria: Ambry Variant Classification Scheme 2023. Collection method: clinical testing. Allele origin: germline. Not counted in ClinVar's aggregate classification.
Comment: The p.I1766S pathogenic mutation (also known as c.5297T>G and 5416T>G), located in coding exon 19 of the BRCA1 gene, results from a T to G substitution at nucleotide position 5297. The isoleucine at codon 1766 is replaced by serine, an amino acid with dissimilar properties. This variant was non-functional in multiple mammalian and yeast-based assays (Findlay GM et al. Nature. 2018 10;562:217-222; Lee MS et al. Cancer Res. 2010 Jun;70:4880-90; Carvalho MA et al. Cancer Res. 2007 Feb;67(4):1494-501; Caligo MA et al. Hum. Mutat. 2009 Jan;30(1):123-33). This variant was not reported in population-based cohorts in the Genome Aggregation Database (gnomAD). This amino acid position is well conserved in available vertebrate species. In addition, this alteration is predicted to be deleterious by in silico analysis. Based on the supporting evidence, this variant is interpreted as a disease-causing mutation.

Baylor Genetics
Classification: Pathogenic for Breast-ovarian cancer, familial, susceptibility to, 1. Last evaluated: 2022-08-01. Review status: criteria provided, single submitter. Criteria: ACMG Guidelines, 2015. Collection method: clinical testing. Allele origin: unknown. Not counted in ClinVar's aggregate classification.

GeneDx
Classification: Pathogenic. Last evaluated: 2022-05-20. Review status: criteria provided, single submitter. Criteria: GeneDx Variant Classification Process June 2021. Collection method: clinical testing. Allele origin: germline. Affected: yes. Not counted in ClinVar's aggregate classification.
Comment: Multifactorial studies suggest this variant is associated with hereditary breast and ovarian cancer (Lindor 2012); Published functional studies demonstrate a damaging effect: defective transcriptional activity, reduced cell survival, and protein instability (Glover 2006, Carvalho 2007, Lee 2010, Woods 2016, Findlay 2018); Observed in individuals with personal or family history of BRCA1-related cancers (Hartmann 2001, Carvalho 2007, Guidugli 2011); In silico analysis supports that this missense variant has a deleterious effect on protein structure/function; Not observed at significant frequency in large population cohorts (gnomAD); Also known as 5416T>G; This variant is associated with the following publications: (PMID: 21990134, 17308087, 18951461, 16267036, 25782689, 20737206, 21447777, 19493677, 18680205, 15235020, 17924331, 20516115, 15172985, 27272900, 28781887, 29446198, 30765603, 16528612, 14534301, 11698567, 33087888, 17305420, 34906479, 30209399, 27535533)

Color Diagnostics, LLC DBA Color Health
Classification: Pathogenic for Hereditary cancer-predisposing syndrome. Last evaluated: 2021-07-21. Review status: criteria provided, single submitter. Criteria: ACMG Guidelines, 2015. Collection method: clinical testing. Allele origin: germline. Not counted in ClinVar's aggregate classification.
Comment: This missense variant replaces isoleucine with serine at codon 1766 of the BRCA1 protein. Computational and in silico lines of evidence consistently support a deleterious effect on the function of the gene or gene product (internally defined REVEL score threshold 0.5 < inconclusive < 0.7, PMID: 27666373). Functional studies have shown that this variant affects protease sensitivity, destabilizes protein, alters phosphopeptide binding specificity, disrupts transcription activity, and is deleterious in a saturation genome editing assay (PMID: 14534301, 15172985, 16528612, 17305420, 17308087, 18680205, 19493677, 20516115, 21447777, 27272900, 30209399, 30765603, 31769492). This variant has been reported in individuals and families affected with breast cancer and ovarian cancer (PMID: 16267036, 17924331, 18680205, 20737206, 29446198, 30283497, 34072659). A probability-based multifactorial likelihood model classifies the variant as Pathogenic based on co-occurence, personal and family history, and cosegregation in five families (PMID: 17924331). This variant has not been identified in the general population by the Genome Aggregation Database (gnomAD). Based on the available evidence, this variant is classified as Pathogenic.

Women's Health and Genetics/Laboratory Corporation of America, LabCorp
Classification: Pathogenic for Hereditary breast and ovarian cancer syndrome. Last evaluated: 2019-04-17. Review status: criteria provided, single submitter. Criteria: LabCorp Variant Classification Summary - May 2015. Collection method: clinical testing. Allele origin: germline. Not counted in ClinVar's aggregate classification.
Comment: Variant summary: BRCA1 c.5297T>G (p.Ile1766Ser) results in a non-conservative amino acid change located in the BRCT domain of the encoded protein sequence. Five of five in-silico tools predict a damaging effect of the variant on protein function. The variant was absent in 251320 control chromosomes (gnomAD). c.5297T>G has been reported in the literature in individuals affected with Hereditary Breast and Ovarian Cancer (Rebbeck_2018, Caligo_2009, Judkins_2005, Easton_2007). These data indicate that the variant is likely to be associated with disease. Experimental evidence evaluating an impact on protein function from multiple studies demonstrated the variant of interest to inhibit growth suppression and affect homologous recombination and to have <10% transcriptional activity compared to the wild-type (Thouvenot_2016, Caligo_2009, Carvalho_2007). Five ClinVar submissions from clinical diagnostic laboratories and an expert panel (ENIGMA) (evaluation after 2014) cite the variant four times as pathogenic and once as likely pathogenic. Based on the evidence outlined above, the variant was classified as pathogenic.